The following is an entry in ClinVar:

ClinVar aggregate classification (germline): Uncertain significance. Review status: criteria provided, multiple submitters, no conflicts (2 of 4 stars). 2 submissions from 2 submitters: Uncertain significance (2). Last evaluated 2023-04-15.

Conditions:
Hereditary cancer-predisposing syndrome. Also called: Neoplastic Syndromes, Hereditary; Tumor predisposition; Hereditary neoplastic syndrome; Hereditary Cancer Syndrome. Identifiers: Orphanet 140162, MedGen C0027672, MeSH D009386, MONDO:0015356.
Tuberous sclerosis 2 (TSC2). Identifiers: Orphanet 805, MedGen C1860707, MONDO:0013199, OMIM 613254.

Submissions (2):

Labcorp Genetics (formerly Invitae), Labcorp
Classification: Uncertain significance for Tuberous sclerosis 2. Last evaluated: 2023-04-15. Review status: criteria provided, single submitter. Criteria: Invitae Variant Classification Sherloc (09022015). Collection method: clinical testing. Allele origin: germline.
Comment: This variant is not present in population databases (gnomAD no frequency). This sequence change replaces threonine, which is neutral and polar, with isoleucine, which is neutral and non-polar, at codon 938 of the TSC2 protein (p.Thr938Ile). This variant has not been reported in the literature in individuals affected with TSC2-related conditions. In summary, the available evidence is currently insufficient to determine the role of this variant in disease. Therefore, it has been classified as a Variant of Uncertain Significance. Advanced modeling of protein sequence and biophysical properties (such as structural, functional, and spatial information, amino acid conservation, physicochemical variation, residue mobility, and thermodynamic stability) performed at Invitae indicates that this missense variant is not expected to disrupt TSC2 protein function. ClinVar contains an entry for this variant (Variation ID: 1796352).

Ambry Genetics
Classification: Uncertain significance for Hereditary cancer-predisposing syndrome. Last evaluated: 2021-04-15. Review status: criteria provided, single submitter. Criteria: Ambry Variant Classification Scheme 2023. Collection method: clinical testing. Allele origin: germline.
Comment: The p.T938I variant (also known as c.2813C>T), located in coding exon 24 of the TSC2 gene, results from a C to T substitution at nucleotide position 2813. The threonine at codon 938 is replaced by isoleucine, an amino acid with similar properties. This amino acid position is highly conserved in available vertebrate species. In addition, this alteration is predicted to be deleterious by in silico analysis. Since supporting evidence is limited at this time, the clinical significance of this alteration remains unclear.

NM_000548.5(TSC2):c.2813C>T (p.Thr938Ile)

Gene: TSC2 (TSC complex subunit 2; plus strand). Cytogenetic location: 16p13.3.
Variant type: single nucleotide variant.
Coding change: c.2813C>T on transcript NM_000548.5 (MANE Select); coding-DNA position 2813, C replaced by T.
Protein change: p.Thr938Ile; replaces threonine 938 with isoleucine.
Molecular consequence: missense variant.
Genome position (GRCh38, 1-based): chr16:2,076,561, C>T. VCF-style: chr16-2076561-C-T. GRCh37 (hg19) VCF-style: chr16-2126562-C-T.
Other names: c.2813C>T, p.Thr938Ile (NM_001077183.3, NM_001114382.3, NM_001363528.2 and 6 more transcripts); c.2702C>T, p.Thr901Ile (NM_001318827.2, NM_001406670.1, NM_001406678.1); c.2666C>T, p.Thr889Ile (NM_001318829.2, NM_001406675.1, NM_001406676.1 and 1 more transcripts); c.2903C>T, p.Thr968Ile (NM_001406668.1, NM_001406667.1); c.2801C>T, p.Thr934Ile (NM_001406671.1, NM_001406673.1); c.2756C>T, p.Thr919Ile (NM_001406677.1); c.2213C>T, p.Thr738Ile (NM_001406680.1, NM_001318831.2, NM_001406682.1 and 6 more transcripts); c.2846C>T, p.Thr949Ile (NM_001318832.2); and 3 more; short protein forms T490I, T784I, T738I, T901I, T919I, T938I, T889I, T934I.
Identifiers: ClinVar variation 1796352 (VCV001796352.5), dbSNP rs2089413903, ClinGen allele CA394280167.